The following is an entry in ClinVar:

ClinVar aggregate classification (germline): Uncertain significance (1 of 4 stars; one submission).

Submission:

Labcorp Genetics (formerly Invitae), Labcorp
Classification: Uncertain significance. Last evaluated: 2022-09-02. Review status: criteria provided, single submitter. Criteria: Invitae Variant Classification Sherloc (09022015). Collection method: clinical testing. Allele origin: germline.
Comment: This variant has not been reported in the literature in individuals affected with TNFRSF9-related conditions. In summary, the available evidence is currently insufficient to determine the role of this variant in disease. Therefore, it has been classified as a Variant of Uncertain Significance. Algorithms developed to predict the effect of sequence changes on RNA splicing suggest that this variant may disrupt the consensus splice site. This variant is not present in population databases (gnomAD no frequency). This sequence change falls in intron 3 of the TNFRSF9 gene. It does not directly change the encoded amino acid sequence of the TNFRSF9 protein.

NM_001561.6(TNFRSF9):c.101-42_101-3del

Gene: TNFRSF9 (TNF receptor superfamily member 9; minus strand). Cytogenetic location: 1p36.23.
Variant type: Deletion.
Coding change: c.101-42_101-3del on transcript NM_001561.6 (MANE Select); 42 bases into the intron before coding-DNA position 101 through 3 bases into the intron before coding-DNA position 101, 40 bases deleted.
Molecular consequence: intron variant.
Genome position (GRCh38, 1-based): chr1:7,938,831-7,938,870, 40 bases deleted; deleting any 40 consecutive bases within chr1:7,938,831-7,938,872 gives the same sequence; the c. name uses the placement nearest the transcript's 3' end. GRCh37 (hg19): chr1:7,998,893-7,998,932.
Identifiers: ClinVar variation 2028550 (VCV002028550.4), dbSNP rs2527272398, ClinGen allele CA2580062561.
Genomic context (GRCh38, chr1:7,938,830, plus strand): 5'-GAAACTATTTGGAGGACAGGGACTGCAAATCTGATTCCTGTTATTATCACAGAATGTACC[TAAGAAAGGCAGACAATAGTGGTACACGTTTGACAATGGGC>T]AATCGTCACCCAAGGCATTCCGAAGTTTACAATAAAATAAGATTATAAAAGAATGATGAG-3'